The following is an entry in ClinVar:

NM_001277115.2(DNAH11):c.7646-1G>T

Gene: DNAH11 (dynein axonemal heavy chain 11; plus strand). Cytogenetic location: 7p15.3.
Variant type: single nucleotide variant.
Coding change: c.7646-1G>T on transcript NM_001277115.2 (MANE Select); the canonical splice acceptor site of the intron before coding-DNA position 7646, G replaced by T.
Molecular consequence: splice acceptor variant.
Genome position (GRCh38, 1-based): chr7:21,738,700, G>T. VCF-style: chr7-21738700-G-T. GRCh37 (hg19) VCF-style: chr7-21778318-G-T.
Identifiers: ClinVar variation 624276 (VCV000624276.44), dbSNP rs1327282449, ClinGen allele CA366950128.
Genomic context (GRCh38, chr7:21,738,700, plus strand): 5'-AATGACTAAATGAACATTTACATTCTGTTGATGGGTGGACAGAAATATATGTTTATTTCA[G>T]AAATTCTTGAGAAACCCCTAGAGAAAAAAGCTGGTCATAACTATGGTCCTGGAGGAAATA-3'

ClinVar aggregate classification (germline): Likely pathogenic. Review status: criteria provided, multiple submitters, no conflicts (2 of 4 stars). 2 submissions from 2 submitters: Likely pathogenic (2). Last evaluated 2025-02-18.

Conditions:
Primary ciliary dyskinesia 7. Also called: CILIARY DYSKINESIA, PRIMARY, 7, WITH OR WITHOUT SITUS INVERSUS. Identifiers: Orphanet 244, MedGen C2678473, MONDO:0012748, OMIM 611884.

Allele frequency attached by ClinVar (database versions not stated): TOPMed below 0.00001; gnomAD 0.00001.
gnomAD v4.1: 3 of 1,563,650 alleles (0.00019%); highest among the groups gnomAD compares: Non-Finnish European, 0.00026%; no homozygotes.

Submissions (2):

Broad Center for Mendelian Genomics, Broad Institute of MIT and Harvard
Classification: Likely pathogenic for Primary ciliary dyskinesia 7. Last evaluated: 2025-02-18. Review status: criteria provided, single submitter. Criteria: ACMG Guidelines, 2015. Collection method: curation. Allele origin: germline. Inheritance: Autosomal recessive inheritance.
Comment: The c.7646-1G>T variant in DNAH11 has not been previously reported in the literature in individuals with primary ciliary dyskinesia, but has been identified in 0.0003% (3/1155442) of European (non-Finnish) chromosomes by the Genome Aggregation Database (gnomAD; dbSNP ID: rs1327282449). Although this variant has been seen in the general population in a heterozygous state, its frequency is low enough to be consistent with a recessive carrier frequency. This variant has also been reported in ClinVar (Variation ID: 624276) and has been interpreted as likely pathogenic by CeGaT Center for Human Genetics Tuebingen. This variant is located in the 5' splice region. Computational tools predict a splicing impact, though this information is not predictive enough to determine pathogenicity. Loss of function of the DNAH11 gene is an established disease mechanism in autosomal recessive primary ciliary dyskinesia. In summary, although additional studies are required to fully establish its clinical significance, this variant is likely pathogenic for autosomal recessive primary ciliary dyskinesia. ACMG/AMP Criteria applied: PVS1, PM2_supporting (Richards 2015).

CeGaT Center for Human Genetics Tuebingen
Classification: Likely pathogenic. Last evaluated: 2018-09-01. Review status: criteria provided, single submitter. Criteria: CeGaT Center For Human Genetics Tuebingen Variant Classification Criteria Version 2. Collection method: clinical testing. Allele origin: germline. Affected: yes. Observed: 3 variant alleles.